The following is an entry in ClinVar:

NM_000256.3(MYBPC3):c.718_724del (p.Glu240fs)

Gene: MYBPC3 (myosin binding protein C3; minus strand). Cytogenetic location: 11p11.2.
Variant type: Deletion.
Coding change: c.718_724del on transcript NM_000256.3 (MANE Select); coding-DNA positions 718 to 724, 7 bases deleted (GAGGTGT; older notation c.718_724delGAGGTGT).
Protein change: p.Glu240fs; shifts the reading frame from glutamic acid 240.
Molecular consequence: frameshift variant.
Genome position (GRCh38, 1-based): chr11:47,348,472-47,348,478, ACACCTC deleted on the plus strand (GAGGTGT on the coding strand, the reverse complement: MYBPC3 is on the minus strand); deleting any 7 consecutive bases within chr11:47,348,472-47,348,481 gives the same sequence; the c. name uses the placement nearest the transcript's 3' end. VCF-style (leftmost placement, unchanged base first): chr11-47348471-GACACCTC-G. GRCh37 (hg19) VCF-style: chr11-47370022-GACACCTC-G.
Other names: short protein forms E240fs.
Identifiers: ClinVar variation 1072518 (VCV001072518.7), dbSNP rs2142866256, ClinGen allele CA2499220985.

ClinVar aggregate classification (germline): Pathogenic (1 of 4 stars; one submission).

Conditions:
Hypertrophic cardiomyopathy. Also called: HYPERTROPHIC MYOCARDIOPATHY. Identifiers: Orphanet 217569, MedGen C0007194, MeSH D002312, MONDO:0005045, HP:0001639.

Submission:

Labcorp Genetics (formerly Invitae), Labcorp
Classification: Pathogenic for Hypertrophic cardiomyopathy. Last evaluated: 2025-10-06. Review status: criteria provided, single submitter. Criteria: Invitae Variant Classification Sherloc (09022015). Collection method: clinical testing. Allele origin: germline.
Comment: This sequence change creates a premature translational stop signal (p.Glu240Profs*58) in the MYBPC3 gene. It is expected to result in an absent or disrupted protein product. Loss-of-function variants in MYBPC3 are known to be pathogenic (PMID: 19574547). This variant is not present in population databases (gnomAD no frequency). This variant has not been reported in the literature in individuals affected with MYBPC3-related conditions. ClinVar contains an entry for this variant (Variation ID: 1072518). For these reasons, this variant has been classified as Pathogenic.

Literature cited by the submitters: PubMed 19574547.